The following is an entry in ClinVar:

NM_000214.3(JAG1):c.2573-16C>T

Gene: JAG1 (jagged canonical Notch ligand 1; minus strand). Cytogenetic location: 20p12.2.
Variant type: single nucleotide variant.
Coding change: c.2573-16C>T on transcript NM_000214.3 (MANE Select); 16 bases into the intron before coding-DNA position 2573, C replaced by T.
Molecular consequence: intron variant.
Genome position (GRCh38, 1-based): chr20:10,641,908, G>A on the plus strand (C>T on the coding strand, the complement: JAG1 is on the minus strand). VCF-style: chr20-10641908-G-A. GRCh37 (hg19) VCF-style: chr20-10622556-G-A.
Other names: p.?; c.2573-16C>T (LRG_1191t1).
Identifiers: ClinVar variation 255553 (VCV000255553.14), dbSNP rs112196689, ClinGen allele CA9764451.

ClinVar aggregate classification (germline): Benign/Likely benign. Review status: criteria provided, multiple submitters, no conflicts (2 of 4 stars). 6 submissions from 6 submitters: Benign (4); Likely benign (2). Last evaluated 2026-01-26.

Conditions:
Alagille syndrome due to a JAG1 point mutation. Also called: HEPATIC DUCTULAR HYPOPLASIA, SYNDROMATIC; JAG1-Related Alagille Syndrome; Alagille Syndrome 1. Identifiers: Orphanet 261619, Orphanet 52, MedGen C1956125, MONDO:0016862, OMIM 118450.

Allele frequency attached by ClinVar (database versions not stated): TOPMed 0.00642; 1000 Genomes Project 30x 0.00656; 1000 Genomes Project 0.00719; gnomAD exomes 0.00056 and 0.00153; ExAC 0.00193; gnomAD 0.00568 and 0.00608; ESP Exome Variant Server 0.00592.

Submissions (6):

Labcorp Genetics (formerly Invitae), Labcorp
Classification: Benign for Alagille syndrome due to a JAG1 point mutation. Last evaluated: 2026-01-26. Review status: criteria provided, single submitter. Criteria: Invitae Variant Classification Sherloc (09022015). Collection method: clinical testing. Allele origin: germline.

Mayo Clinic Laboratories, Mayo Clinic
Classification: Benign. Last evaluated: 2024-12-19. Review status: criteria provided, single submitter. Criteria: ACMG Guidelines, 2015. Collection method: clinical testing. Allele origin: germline. Observed: 2 variant alleles.
Comment: BA1, BS2, BP7

Women's Health and Genetics/Laboratory Corporation of America, LabCorp
Classification: Benign. Last evaluated: 2024-06-17. Review status: criteria provided, single submitter. Criteria: LabCorp Variant Classification Summary - May 2015. Collection method: clinical testing. Allele origin: germline.

GeneDx
Classification: Benign. Last evaluated: 2015-03-03. Review status: criteria provided, single submitter. Criteria: GeneDx Variant Classification Process June 2021. Collection method: clinical testing. Allele origin: germline. Affected: yes.

Breakthrough Genomics
Classification: Likely benign. Review status: criteria provided, single submitter. Criteria: ACMG Guidelines, 2015. Collection method: not provided. Allele origin: germline. Inheritance: Autosomal dominant inheritance. Affected: yes.

PreventionGenetics, part of Exact Sciences
Classification: Likely benign. Review status: criteria provided, single submitter. Criteria: ACMG Guidelines, 2015. Collection method: clinical testing. Allele origin: germline.